The following is an entry in ClinVar:

ClinVar aggregate classification (germline): Likely benign. Review status: criteria provided, multiple submitters, no conflicts (2 of 4 stars). 2 submissions from 2 submitters: Likely benign (2). Last evaluated 2024-02-27.

Conditions:
Inborn genetic diseases. Identifiers: MedGen C0950123, MeSH D030342.

Allele frequency attached by ClinVar (database versions not stated): gnomAD exomes 0.00001; TOPMed 0.00002; gnomAD 0.00003; ExAC 0.00009; 1000 Genomes Project 30x 0.00016; 1000 Genomes Project 0.00020.
gnomAD v4.1: 30 of 1,567,482 alleles (0.0019%); highest among the groups gnomAD compares: African/African-American, 0.0068%; no homozygotes.

Submissions (2):

Ambry Genetics
Classification: Likely benign for Inborn genetic diseases. Last evaluated: 2024-02-27. Review status: criteria provided, single submitter. Criteria: Ambry Variant Classification Scheme 2023. Collection method: clinical testing. Allele origin: germline.

GeneDx
Classification: Likely benign. Last evaluated: 2022-06-07. Review status: criteria provided, single submitter. Criteria: GeneDx Variant Classification Process June 2021. Collection method: clinical testing. Allele origin: germline. Affected: yes.
Comment: See Variant Classification Assertion Criteria.

NM_003070.5(SMARCA2):c.50C>T (p.Pro17Leu)

Gene: SMARCA2 (SWI/SNF related, matrix associated, actin dependent regulator of chromatin, subfamily a, member 2; plus strand). Cytogenetic location: 9p24.3.
Variant type: single nucleotide variant.
Coding change: c.50C>T on transcript NM_003070.5 (MANE Select); coding-DNA position 50, C replaced by T.
Protein change: p.Pro17Leu; replaces proline 17 with leucine.
Molecular consequence: missense variant.
Genome position (GRCh38, 1-based): chr9:2,029,072, C>T. VCF-style: chr9-2029072-C-T. GRCh37 (hg19) VCF-style: chr9-2029072-C-T.
Other names: c.50C>T, p.Pro17Leu (NM_001289396.2, NM_001289397.2, NM_139045.4); short protein forms P17L.
Identifiers: ClinVar variation 1186796 (VCV001186796.7), dbSNP rs543241889, ClinGen allele CA4962743.